The following is an entry in ClinVar:

ClinVar aggregate classification (germline): Uncertain significance. Review status: criteria provided, multiple submitters, no conflicts (2 of 4 stars). 2 submissions from 2 submitters: Uncertain significance (2). Last evaluated 2025-10-16.

Allele frequency attached by ClinVar (database versions not stated): gnomAD 0.00001; gnomAD exomes 0.00002; ExAC 0.00003; TOPMed 0.00004.
gnomAD v4.1: 34 of 1,611,622 alleles (0.0021%); highest among the groups gnomAD compares: Middle Eastern, 0.016%; no homozygotes.

Submissions (2):

Mayo Clinic Laboratories, Mayo Clinic
Classification: Uncertain significance. Last evaluated: 2025-10-16. Review status: criteria provided, single submitter. Criteria: ACMG Guidelines, 2015. Collection method: clinical testing. Allele origin: germline. Observed: 1 variant allele.
Comment: PP3_moderate

Labcorp Genetics (formerly Invitae), Labcorp
Classification: Uncertain significance. Last evaluated: 2025-09-28. Review status: criteria provided, single submitter. Criteria: Invitae Variant Classification Sherloc (09022015). Collection method: clinical testing. Allele origin: germline.
Comment: This sequence change replaces alanine, which is neutral and non-polar, with valine, which is neutral and non-polar, at codon 1526 of the COL4A2 protein (p.Ala1526Val). This variant is present in population databases (rs757182846, gnomAD 0.007%). This variant has not been reported in the literature in individuals affected with COL4A2-related conditions. ClinVar contains an entry for this variant (Variation ID: 2182850). Invitae Evidence Modeling of protein sequence and biophysical properties (such as structural, functional, and spatial information, amino acid conservation, physicochemical variation, residue mobility, and thermodynamic stability) has been performed for this missense variant. However, the output from this modeling did not meet the statistical confidence thresholds required to predict the impact of this variant on COL4A2 protein function. In summary, the available evidence is currently insufficient to determine the role of this variant in disease. Therefore, it has been classified as a Variant of Uncertain Significance.

NM_001846.4(COL4A2):c.4577C>T (p.Ala1526Val)

Genes: COL4A2 (collagen type IV alpha 2 chain; plus strand), COL4A2-AS1 (COL4A2 antisense RNA 1; minus strand). Cytogenetic location: 13q34.
Variant type: single nucleotide variant.
Coding change: c.4577C>T on transcript NM_001846.4 (MANE Select); coding-DNA position 4577, C replaced by T.
Protein change: p.Ala1526Val; replaces alanine 1526 with valine.
Molecular consequence: missense variant.
Genome position (GRCh38, 1-based): chr13:110,506,589, C>T. VCF-style: chr13-110506589-C-T. GRCh37 (hg19) VCF-style: chr13-111158936-C-T.
Other names: p.Ala1526Val; short protein forms A1526V.
Identifiers: ClinVar variation 2182850 (VCV002182850.5), dbSNP rs757182846, ClinGen allele CA7050577.